The following is an entry in ClinVar:

NM_005726.6(TSFM):c.24C>T (p.Arg8=)

Gene: TSFM (Ts translation elongation factor, mitochondrial; plus strand). Cytogenetic location: 12q14.1.
Variant type: single nucleotide variant.
Coding change: c.24C>T on transcript NM_005726.6 (MANE Select); coding-DNA position 24, C replaced by T.
Protein change: p.Arg8=; no amino-acid change (arginine 8 retained).
Molecular consequence: synonymous variant.
Genome position (GRCh38, 1-based): chr12:57,782,825, C>T. VCF-style: chr12-57782825-C-T. GRCh37 (hg19) VCF-style: chr12-58176608-C-T.
Other names: p.R8R:CGC>CGT; p.Arg8=; c.24C>T, p.Arg8= (NM_001172695.2, NM_001172696.2, NM_001172697.2).
Identifiers: ClinVar variation 137764 (VCV000137764.51), dbSNP rs138461986, ClinGen allele CA291421.
Genomic context (GRCh38, chr12:57,782,825, plus strand): 5'-GTGCGCCCGCCGGAGGGTGTTTATCGCGGCTAGAGAGATGTCGCTGCTGCGGTCGCTGCG[C>T]GTGTTTCTGGTCGCGCGGACCGGGAGCTACCCGGTGAGAAGTCCTGGTGCTGGTACCGAC-3'
Protein context (NP_005717.3, residues 1-18): MSLLRSL[Arg8=]VFLVARTGSY

ClinVar aggregate classification (germline): Conflicting classifications of pathogenicity. Review status: criteria provided, conflicting classifications (1 of 4 stars). 6 submissions from 6 submitters: Uncertain significance (1); Benign (3); Likely benign (2). Last evaluated 2026-01-31.

Conditions:
Fatal mitochondrial disease due to combined oxidative phosphorylation defect type 3. Also called: ENCEPHALOMYOPATHY, RESPIRATORY FAILURE, AND LACTIC ACIDOSIS; Combined oxidative phosphorylation deficiency 3. Identifiers: Orphanet 168566, MedGen C1864840, MONDO:0012512, OMIM 610505.

Allele frequency attached by ClinVar (database versions not stated): gnomAD exomes 0.00067 and 0.00150; gnomAD 0.00198 and 0.00209; 1000 Genomes Project 30x 0.00219; 1000 Genomes Project 0.00220; ESP Exome Variant Server 0.00239; TOPMed 0.00247; ExAC 0.00281.
gnomAD v4.1: 1,351 of 1,596,060 alleles (0.085%); highest among the groups gnomAD compares: African/African-American, 0.48%; 9 homozygotes.

Submissions (6):

Labcorp Genetics (formerly Invitae), Labcorp
Classification: Benign. Last evaluated: 2026-01-31. Review status: criteria provided, single submitter. Criteria: Invitae Variant Classification Sherloc (09022015). Collection method: clinical testing. Allele origin: germline.

CeGaT Center for Human Genetics Tuebingen
Classification: Likely benign. Last evaluated: 2025-12-01. Review status: criteria provided, single submitter. Criteria: CeGaT Center For Human Genetics Tuebingen Variant Classification Criteria Version 2. Collection method: clinical testing. Allele origin: germline. Affected: yes. Observed: 3 variant alleles.
Comment: TSFM: BP4, BP7

Blueprint Genetics
Classification: Likely benign. Last evaluated: 2024-11-01. Review status: criteria provided, single submitter. Criteria: ACMG Guidelines, 2015. Collection method: clinical testing. Allele origin: germline.

Mayo Clinic Laboratories, Mayo Clinic
Classification: Benign. Last evaluated: 2024-06-14. Review status: criteria provided, single submitter. Criteria: ACMG Guidelines, 2015. Collection method: clinical testing. Allele origin: germline. Observed: 6 variant alleles.
Comment: BA1, BP4, BP7

Illumina Laboratory Services, Illumina
Classification: Uncertain significance for Fatal mitochondrial disease due to combined oxidative phosphorylation defect type 3. Last evaluated: 2017-04-27. Review status: criteria provided, single submitter. Criteria: ICSL Variant Classification Criteria 13 December 2019. Collection method: clinical testing. Allele origin: germline.

GeneDx
Classification: Benign. Last evaluated: 2014-01-27. Review status: criteria provided, single submitter. Criteria: GeneDx Variant Classification (06012015). Collection method: clinical testing. Allele origin: germline. Affected: yes.
Comment: This variant is considered likely benign or benign based on one or more of the following criteria: it is a conservative change, it occurs at a poorly conserved position in the protein, it is predicted to be benign by multiple in silico algorithms, and/or has population frequency not consistent with disease.